The following is an entry in ClinVar:

NM_004287.5(GOSR2):c.203+3A>G

Genes: LRRC37A2 (leucine rich repeat containing 37 member A2), GOSR2 (golgi SNAP receptor complex member 2; plus strand), LOC126862578 (BRD4-independent group 4 enhancer GRCh37_chr17:45008344-45009543; plus strand). Cytogenetic location: 17q21.32.
Variant type: single nucleotide variant.
Coding change: c.203+3A>G on transcript NM_004287.5 (MANE Select); 3 bases into the intron after coding-DNA position 203, A replaced by G.
Molecular consequence: intron variant.
Genome position (GRCh38, 1-based): chr17:46,931,210, A>G. VCF-style: chr17-46931210-A-G. GRCh37 (hg19) VCF-style: chr17-45008576-A-G.
Other names: c.203+3A>G (NM_001321133.2, NM_054022.4, NM_001330252.2 and 1 more transcripts); c.149+3A>G (NM_001363851.2, NM_001321134.2); c.200+3A>G (NM_001353114.2, NM_001353115.2, NM_001353116.2).
Identifiers: ClinVar variation 379839 (VCV000379839.10), dbSNP rs201423456, ClinGen allele CA8621187.

ClinVar aggregate classification (germline): Conflicting classifications of pathogenicity. Review status: criteria provided, conflicting classifications (1 of 4 stars). 3 submissions from 3 submitters: Uncertain significance (2); Benign (1). Last evaluated 2026-05-18.

Conditions:
Progressive myoclonic epilepsy. Also called: Familial progressive myoclonic epilepsy; Myoclonus epilepsy; Progressive myoclonus epilepsy; Myoclonic Epilepsies, Progressive. Identifiers: Orphanet 308, Orphanet 98261, MedGen C0751778, MONDO:0020074.
Inborn genetic diseases. Identifiers: MedGen C0950123, MeSH D030342.

Allele frequency attached by ClinVar (database versions not stated): gnomAD exomes 0.00003 and 0.00010; ExAC 0.00005; gnomAD 0.00009 and 0.00010; TOPMed 0.00018; 1000 Genomes Project 30x 0.00031; ESP Exome Variant Server 0.00008; 1000 Genomes Project 0.00020.
gnomAD v4.1: 62 of 1,324,192 alleles (0.0047%); highest among the groups gnomAD compares: Admixed American, 0.049%; no homozygotes.

Submissions (3):

Ambry Genetics
Classification: Uncertain significance for Inborn genetic diseases. Last evaluated: 2026-05-18. Review status: criteria provided, single submitter. Criteria: Ambry Variant Classification Scheme 2023. Collection method: clinical testing. Allele origin: germline.
Comment: The c.203+3A>G intronic alteration consists of a A to G substitution nucleotides after coding exon 3 in the GOSR2 gene. Based on data from gnomAD, the G allele has an overall frequency of 0.01% (26/251110) total alleles studied. The highest observed frequency was 0.082% (5/6128) of Other alleles. Based on insufficient or conflicting evidence, the clinical significance of this alteration remains unclear.

Labcorp Genetics (formerly Invitae), Labcorp
Classification: Uncertain significance for Progressive myoclonic epilepsy. Last evaluated: 2022-10-18. Review status: criteria provided, single submitter. Criteria: Invitae Variant Classification Sherloc (09022015). Collection method: clinical testing. Allele origin: germline.
Comment: This sequence change falls in intron 3 of the GOSR2 gene. It does not directly change the encoded amino acid sequence of the GOSR2 protein. It affects a nucleotide within the consensus splice site. This variant is present in population databases (rs201423456, gnomAD 0.07%). This variant has not been reported in the literature in individuals affected with GOSR2-related conditions. ClinVar contains an entry for this variant (Variation ID: 379839). Variants that disrupt the consensus splice site are a relatively common cause of aberrant splicing (PMID: 17576681, 9536098). Algorithms developed to predict the effect of sequence changes on RNA splicing suggest that this variant may disrupt the consensus splice site. In summary, the available evidence is currently insufficient to determine the role of this variant in disease. Therefore, it has been classified as a Variant of Uncertain Significance.

GeneDx
Classification: Benign. Last evaluated: 2015-09-03. Review status: criteria provided, single submitter. Criteria: GeneDx Variant Classification (06012015). Collection method: clinical testing. Allele origin: germline. Affected: yes.
Comment: This variant is considered likely benign or benign based on one or more of the following criteria: it is a conservative change, it occurs at a poorly conserved position in the protein, it is predicted to be benign by multiple in silico algorithms, and/or has population frequency not consistent with disease.

Literature cited by the submitters: PubMed 17576681 (cited by Labcorp Genetics (formerly Invitae), Labcorp); PubMed 9536098 (cited by Labcorp Genetics (formerly Invitae), Labcorp).